The following is an entry in ClinVar:

ClinVar aggregate classification (germline): Conflicting classifications of pathogenicity. Review status: criteria provided, conflicting classifications (1 of 4 stars). 2 submissions from 2 submitters: Uncertain significance (1); Likely benign (1). Last evaluated 2023-07-21.

Conditions:
Early-infantile DEE. Also called: Early infantile epileptic encephalopathy; Early infantile epileptic encephalopathy with suppression bursts; Ohtahara syndrome. Identifiers: Orphanet 1934, MedGen C0393706, MONDO:0800491.

Submissions (2):

Labcorp Genetics (formerly Invitae), Labcorp
Classification: Likely benign for Early-infantile DEE. Last evaluated: 2023-07-21. Review status: criteria provided, single submitter. Criteria: Invitae Variant Classification Sherloc (09022015). Collection method: clinical testing. Allele origin: germline.

GeneDx
Classification: Uncertain significance. Last evaluated: 2022-10-25. Review status: criteria provided, single submitter. Criteria: GeneDx Variant Classification Process June 2021. Collection method: clinical testing. Allele origin: germline. Affected: yes.
Comment: Not observed at significant frequency in large population cohorts (gnomAD); In silico analysis supports a deleterious effect on splicing; Has not been previously published as pathogenic or benign to our knowledge

NM_001165963.4(SCN1A):c.965-14_965-11del

Gene: SCN1A (sodium voltage-gated channel alpha subunit 1; minus strand). Cytogenetic location: 2q24.3.
Variant type: Microsatellite.
Coding change: c.965-14_965-11del on transcript NM_001165963.4 (MANE Select); 14 bases into the intron before coding-DNA position 965 through 11 bases into the intron before coding-DNA position 965, 4 bases deleted (CTTT; older notation c.965-14_965-11delCTTT).
Molecular consequence: intron variant.
Genome position (GRCh38, 1-based): chr2:166,048,960-166,048,963, AAAG deleted on the plus strand (CTTT on the coding strand, the reverse complement: SCN1A is on the minus strand); deleting any 4 consecutive bases within chr2:166,048,960-166,048,967 gives the same sequence; the c. name uses the placement nearest the transcript's 3' end. VCF-style (leftmost placement, unchanged base first): chr2-166048959-AAAAG-A. GRCh37 (hg19) VCF-style: chr2-166905469-AAAAG-A.
Other names: c.965-14_965-11del (NM_001353949.2, NM_001353958.2, NM_001353950.2 and 10 more transcripts); c.-1461-14_-1461-11del (NM_001353961.2).
Identifiers: ClinVar variation 1980855 (VCV001980855.5), dbSNP rs2468200799, ClinGen allele CA2580614400.